The following is an entry in ClinVar:

ClinVar aggregate classification (germline): Uncertain significance (1 of 4 stars; one submission).

Submission:

GeneDx
Classification: Uncertain significance. Last evaluated: 2025-01-21. Review status: criteria provided, single submitter. Criteria: GeneDx Variant Classification Process June 2021. Collection method: clinical testing. Allele origin: germline. Affected: yes.
Comment: Not observed at significant frequency in large population cohorts (gnomAD); In silico analysis indicates that this missense variant does not alter protein structure/function; Has not been previously published as pathogenic or benign to our knowledge

NM_000257.4(MYH7):c.3775C>G (p.His1259Asp)

Gene: MYH7 (myosin heavy chain 7; minus strand). Cytogenetic location: 14q11.2.
Variant type: single nucleotide variant.
Coding change: c.3775C>G on transcript NM_000257.4 (MANE Select); coding-DNA position 3775, C replaced by G.
Protein change: p.His1259Asp; replaces histidine 1259 with aspartic acid.
Molecular consequence: missense variant.
Genome position (GRCh38, 1-based): chr14:23,419,561, G>C on the plus strand (C>G on the coding strand, the complement: MYH7 is on the minus strand). VCF-style: chr14-23419561-G-C. GRCh37 (hg19) VCF-style: chr14-23888770-G-C.
Other names: c.3775C>G, p.His1259Asp (NM_001407004.1); short protein forms H1259D.
Identifiers: ClinVar variation 4070882 (VCV004070882.1).